The following is an entry in ClinVar:

NM_001903.5(CTNNA1):c.304G>A (p.Asp102Asn)

Gene: CTNNA1 (catenin alpha 1; plus strand). Cytogenetic location: 5q31.2.
Variant type: single nucleotide variant.
Coding change: c.304G>A on transcript NM_001903.5 (MANE Select); coding-DNA position 304, G replaced by A.
Protein change: p.Asp102Asn; replaces aspartic acid 102 with asparagine.
Molecular consequence: missense variant. On other transcripts: 5 prime UTR variant (1), intron variant (1).
Genome position (GRCh38, 1-based): chr5:138,810,040, G>A. VCF-style: chr5-138810040-G-A. GRCh37 (hg19) VCF-style: chr5-138145729-G-A.
Other names: c.304G>A, p.Asp102Asn (NM_001290307.3, NM_001323982.2, NM_001323983.1 and 3 more transcripts); c.-6G>A (NM_001290309.3); c.-5-61G>A (NM_001290310.3); short protein forms D102N.
Identifiers: ClinVar variation 2746020 (VCV002746020.3), dbSNP rs2532329323, ClinGen allele CA361122759.
Genomic context (GRCh38, chr5:138,810,040, plus strand): 5'-TGTAGATCAGTTATTTGAGTTCATTCTTGCTGAGTTTGTTTTTCATTCTGTAAAACAGGT[G>A]ATTTGATGAAGGCTGCTGCAGGAGAGTTCGCAGATGATCCCTGCTCTTCTGTGAAGCGAG-3'
Protein context (NP_001894.2, residues 92-112): AAVEDVRKQG[Asp102Asn]LMKAAAGEFA

ClinVar aggregate classification (germline): Uncertain significance (1 of 4 stars; one submission).

gnomAD v4.1: 3 of 1,600,094 alleles (0.00019%); highest among the groups gnomAD compares: Non-Finnish European, 0.00026%; no homozygotes.

Submission:

Labcorp Genetics (formerly Invitae), Labcorp
Classification: Uncertain significance. Last evaluated: 2023-07-24. Review status: criteria provided, single submitter. Criteria: Invitae Variant Classification Sherloc (09022015). Collection method: clinical testing. Allele origin: germline.
Comment: This variant has not been reported in the literature in individuals affected with CTNNA1-related conditions. This sequence change replaces aspartic acid, which is acidic and polar, with asparagine, which is neutral and polar, at codon 102 of the CTNNA1 protein (p.Asp102Asn). This variant is not present in population databases (gnomAD no frequency). An algorithm developed to predict the effect of missense changes on protein structure and function (PolyPhen-2) suggests that this variant is likely to be tolerated. In summary, the available evidence is currently insufficient to determine the role of this variant in disease. Therefore, it has been classified as a Variant of Uncertain Significance.